The following is an entry in ClinVar:

NM_000383.4(AIRE):c.232T>C (p.Trp78Arg)

Gene: AIRE (autoimmune regulator; plus strand). Cytogenetic location: 21q22.3.
Variant type: single nucleotide variant.
Coding change: c.232T>C on transcript NM_000383.4 (MANE Select); coding-DNA position 232, T replaced by C.
Protein change: p.Trp78Arg; replaces tryptophan 78 with arginine.
Molecular consequence: missense variant.
Genome position (GRCh38, 1-based): chr21:44,286,656, T>C. VCF-style: chr21-44286656-T-C. GRCh37 (hg19) VCF-style: chr21-45706539-T-C.
Other names: c.232T>C (LRG_18t1); short protein forms W78R.
Identifiers: ClinVar variation 189060 (VCV000189060.18), dbSNP rs179363880, ClinGen allele CA199112.

ClinVar aggregate classification (germline): Pathogenic. Review status: criteria provided, multiple submitters, no conflicts (2 of 4 stars). 6 submissions from 6 submitters: Pathogenic (5). 1 of the submissions does not count toward it. Last evaluated 2025-12-26.

Conditions:
Polyglandular autoimmune syndrome, type 1 (APS1). Also called: Whitaker syndrome; Autoimmune polyendocrine syndrome type 1; Autoimmune polyendocrinopathy syndrome, type I; Autoimmune polyendocrinopathy syndrome , type I, with or without reversible metaphyseal dysplasia; AUTOIMMUNE POLYENDOCRINE SYNDROME, TYPE I, WITH OR WITHOUT REVERSIBLE METAPHYSEAL DYSPLASIA; APS I. Identifiers: Orphanet 3453, MedGen C0085859, MONDO:0009411, OMIM 240300.

Allele frequency attached by ClinVar (database versions not stated): ExAC 0.00001; gnomAD exomes 0.00001; gnomAD 0.00002; TOPMed 0.00003; ESP Exome Variant Server 0.00008.
gnomAD v4.1: 11 of 1,612,962 alleles (0.00068%); highest among the groups gnomAD compares: Non-Finnish European, 0.00085%; no homozygotes.

Submissions (6):

GeneDx
Classification: Pathogenic. Last evaluated: 2025-12-26. Review status: criteria provided, single submitter. Criteria: GeneDx Variant Classification Process June 2021. Collection method: clinical testing. Allele origin: germline. Affected: yes.
Comment: Functional studies using a yeast 2-hybrid system demonstrate that W78R mutants do not interact with DAXX protein most likely due to impaired AIRE homodimerization (PMID: 20185822); Not observed at significant frequency in large population cohorts (gnomAD); In silico analysis supports that this missense variant has a deleterious effect on protein structure/function; This variant is associated with the following publications: (PMID: 11524733, 23365130, 34991662, 30018023, 18616706, 14974083, 22104652, 27048654, 21508664, 11524731, 11836330, 34426522, 31589614, 21295522, 38465142, 20185822)

Natera, Inc.
Classification: Pathogenic for Polyglandular autoimmune syndrome type 1. Last evaluated: 2025-09-05. Review status: criteria provided, single submitter. Criteria: Natera Variant Classification Schema (03/2026). Collection method: clinical testing. Allele origin: germline.
Comment: The c.232T>C variant in AIRE is a missense variant predicted to cause substitution of tryptophan to arginine at amino acid 78. This variant is rare in the general population with a frequency below the threshold expected for the associated phenotype(s). This variant has been observed in one or more individuals affected with the associated recessive disease, as either homozygous or compound heterozygous with a second variant (PMID: 21295522). Computational prediction algorithms indicate this variant is likely to affect gene or protein function. Given the available evidence, this variant is classified as Pathogenic.

Labcorp Genetics (formerly Invitae), Labcorp
Classification: Pathogenic for Polyglandular autoimmune syndrome, type 1. Last evaluated: 2025-04-14. Review status: criteria provided, single submitter. Criteria: Invitae Variant Classification Sherloc (09022015). Collection method: clinical testing. Allele origin: germline.
Comment: This sequence change replaces tryptophan, which is neutral and slightly polar, with arginine, which is basic and polar, at codon 78 of the AIRE protein (p.Trp78Arg). This variant is present in population databases (rs179363880, gnomAD 0.002%). This missense change has been observed in individuals with clinical features of autosomal recessive autoimmune polyendocrinopathy candidiasis-ectodermal dystrophy (APECED) (PMID: 11524733, 11836330, 15712268, 18616706, 20407228, 20718774). It has also been observed to segregate with disease in related individuals. ClinVar contains an entry for this variant (Variation ID: 189060). Invitae Evidence Modeling of protein sequence and biophysical properties (such as structural, functional, and spatial information, amino acid conservation, physicochemical variation, residue mobility, and thermodynamic stability) indicates that this missense variant is expected to disrupt AIRE protein function with a positive predictive value of 95%. Experimental studies have shown that this missense change affects AIRE function (PMID: 15712268). For these reasons, this variant has been classified as Pathogenic.

Women's Health and Genetics/Laboratory Corporation of America, LabCorp
Classification: Pathogenic for Polyglandular autoimmune syndrome, type 1. Last evaluated: 2023-10-11. Review status: criteria provided, single submitter. Criteria: LabCorp Variant Classification Summary - May 2015. Collection method: clinical testing. Allele origin: germline.
Comment: Variant summary: AIRE c.232T>C (p.Trp78Arg) results in a non-conservative amino acid change located in the HSR domain (IPR004865) of the encoded protein sequence. Five of five in-silico tools predict a damaging effect of the variant on protein function. The variant allele was found at a frequency of 8e-06 in 250942 control chromosomes. c.232T>C has been reported in the literature in multiple individuals affected with Autoimmune Polyglandular Syndrome Type 1, either in the homozygous or compound heterozygous state (examples, Meloni_2002, Cervato_2008). At least one publication reports experimental evidence evaluating an impact on protein function (Sparks_2016). The most pronounced variant effect results in very little transcriptional activity in transfected cells. These data indicate that the variant is very likely to be associated with disease. The following publications have been ascertained in the context of this evaluation (PMID: 11836330, 18616706, 27048654). Five submitters have cited clinical-significance assessments for this variant to ClinVar after 2014. All submitters classified the variant as pathogenic. Based on the evidence outlined above, the variant was classified as pathogenic.

National Institute of Allergy and Infectious Diseases - Centralized Sequencing Program, National Institutes of Health
Classification: Pathogenic for APECED. Last evaluated: 2023-09-14. Review status: criteria provided, single submitter. Criteria: ACMG Guidelines, 2015. Collection method: clinical testing. Allele origin: germline. Affected: yes.

Counsyl
Classification: Pathogenic for Polyglandular autoimmune syndrome, type 1. Last evaluated: 2019-06-12. Review status: no assertion criteria provided. Collection method: clinical testing. Allele origin: unknown. Not counted in ClinVar's aggregate classification.

Literature cited by the submitters: PubMed 21295522 (cited by Natera, Inc. and Counsyl); PubMed 11524733 (cited by 3 submitters); PubMed 11836330 (cited by Labcorp Genetics (formerly Invitae), Labcorp and Women's Health and Genetics/Laboratory Corporation of America, LabCorp); PubMed 15712268 (cited by Labcorp Genetics (formerly Invitae), Labcorp); PubMed 18616706 (cited by 3 submitters); PubMed 20407228 (cited by Labcorp Genetics (formerly Invitae), Labcorp); PubMed 20718774 (cited by Labcorp Genetics (formerly Invitae), Labcorp); PubMed 27048654 (cited by Women's Health and Genetics/Laboratory Corporation of America, LabCorp); PubMed 31589614 (cited by National Institute of Allergy and Infectious Diseases - Centralized Sequencing Program, National Institutes of Health); PubMed 22104652 (cited by Counsyl); PubMed 21508664 (cited by Counsyl); PubMed 1836330 (cited by Counsyl); PubMed 14974083 (cited by Counsyl); PubMed 20185822 (cited by Counsyl).